The following is an entry in ClinVar:

NM_003265.3(TLR3):c.2516C>A (p.Ala839Asp)

Gene: TLR3 (toll like receptor 3; plus strand). Cytogenetic location: 4q35.1.
Variant type: single nucleotide variant.
Coding change: c.2516C>A on transcript NM_003265.3 (MANE Select); coding-DNA position 2516, C replaced by A.
Protein change: p.Ala839Asp; replaces alanine 839 with aspartic acid.
Molecular consequence: missense variant.
Genome position (GRCh38, 1-based): chr4:186,084,674, C>A. VCF-style: chr4-186084674-C-A. GRCh37 (hg19) VCF-style: chr4-187005828-C-A.
Other names: short protein forms A839D.
Identifiers: ClinVar variation 857409 (VCV000857409.12), dbSNP rs201540925, ClinGen allele CA3161600.

ClinVar aggregate classification (germline): Uncertain significance. Review status: criteria provided, multiple submitters, no conflicts (2 of 4 stars). 2 submissions from 2 submitters: Uncertain significance (2). Last evaluated 2025-08-24.

Conditions:
Encephalopathy, acute, infection-induced (herpes-specific), susceptibility to, 1. Also called: Herpes simplex encephalitis, susceptibility to, 1. Identifiers: Orphanet 1930, MedGen C2750180, MONDO:0024563, OMIM 610551.

Allele frequency attached by ClinVar (database versions not stated): gnomAD exomes 0.00001 and 0.00004; 1000 Genomes Project 30x 0.00031; gnomAD 0.00002 and 0.00001; 1000 Genomes Project 0.00020; ExAC 0.00005; TOPMed 0.00006.
gnomAD v4.1: 18 of 1,612,932 alleles (0.0011%); highest among the groups gnomAD compares: Admixed American, 0.017%; no homozygotes.

Submissions (2):

Ambry Genetics
Classification: Uncertain significance. Last evaluated: 2025-08-24. Review status: criteria provided, single submitter. Criteria: Ambry Variant Classification Scheme 2023. Collection method: clinical testing. Allele origin: germline.

Labcorp Genetics (formerly Invitae), Labcorp
Classification: Uncertain significance for Encephalopathy, acute, infection-induced (herpes-specific), susceptibility to, 1. Last evaluated: 2024-04-25. Review status: criteria provided, single submitter. Criteria: Invitae Variant Classification Sherloc (09022015). Collection method: clinical testing. Allele origin: germline.
Comment: This sequence change replaces alanine, which is neutral and non-polar, with aspartic acid, which is acidic and polar, at codon 839 of the TLR3 protein (p.Ala839Asp). This variant is present in population databases (rs201540925, gnomAD 0.03%). This variant has not been reported in the literature in individuals affected with TLR3-related conditions. ClinVar contains an entry for this variant (Variation ID: 857409). An algorithm developed to predict the effect of missense changes on protein structure and function (PolyPhen-2) suggests that this variant is likely to be disruptive. In summary, the available evidence is currently insufficient to determine the role of this variant in disease. Therefore, it has been classified as a Variant of Uncertain Significance.